The following is an entry in ClinVar:

NM_001879.6(MASP1):c.1358G>A (p.Arg453His)

Gene: MASP1 (MBL associated serine protease 1; minus strand). Cytogenetic location: 3q27.3.
Variant type: single nucleotide variant.
Coding change: c.1358G>A on transcript NM_001879.6 (MANE Plus Clinical); coding-DNA position 1358, G replaced by A.
Protein change: p.Arg453His; replaces arginine 453 with histidine.
Molecular consequence: missense variant.
Genome position (GRCh38, 1-based): chr3:187,229,843, C>T on the plus strand (G>A on the coding strand, the complement: MASP1 is on the minus strand). VCF-style: chr3-187229843-C-T. GRCh37 (hg19) VCF-style: chr3-186947631-C-T.
Other names: short protein forms R453H.
Identifiers: ClinVar variation 1029389 (VCV001029389.3), dbSNP rs150028177, ClinGen allele CA2748942.

ClinVar aggregate classification (germline): Uncertain significance (1 of 4 stars; one submission).

Conditions:
3MC syndrome 1. Also called: CRANIOSYNOSTOSIS WITH LID ANOMALIES; OCULOPALATOSKELETAL SYNDROME; MICHELS SYNDROME. Identifiers: Orphanet 293843, MedGen C0796059, MONDO:0009770, OMIM 257920.

Allele frequency attached by ClinVar (database versions not stated): 1000 Genomes Project 30x 0.00141; TOPMed 0.00074; 1000 Genomes Project 0.00140; ESP Exome Variant Server 0.00038; gnomAD 0.00054.
gnomAD v4.1: 303 of 1,614,070 alleles (0.019%); highest among the groups gnomAD compares: African/African-American, 0.17%; no homozygotes.

Submission:

Baylor Genetics
Classification: Uncertain significance for 3MC syndrome 1. Last evaluated: 2019-10-22. Review status: criteria provided, single submitter. Criteria: ACMG Guidelines, 2015. Collection method: clinical testing. Allele origin: unknown. Affected: yes.
Comment: This variant was determined to be of uncertain significance according to ACMG Guidelines, 2015 [PMID:25741868].